The following is an entry in ClinVar:

ClinVar aggregate classification (germline): Likely benign. Review status: criteria provided, multiple submitters, no conflicts (2 of 4 stars). 3 submissions from 3 submitters: Likely benign (2). 1 of the submissions does not count toward it. Last evaluated 2026-02-02.

Conditions:
HCN1-related disorder. Also called: HCN1-related disorders; HCN1-related condition.
Early-infantile DEE. Also called: Ohtahara syndrome; Early infantile epileptic encephalopathy with suppression bursts; Early infantile epileptic encephalopathy. Identifiers: Orphanet 1934, MedGen C0393706, MONDO:0800491.

Allele frequency attached by ClinVar (database versions not stated): ExAC 0.00019; gnomAD 0.00022 and 0.00023; gnomAD exomes 0.00014.
gnomAD v4.1: 164 of 1,444,832 alleles (0.011%); highest among the groups gnomAD compares: African/African-American, 0.069%; no homozygotes.

Submissions (3):

Labcorp Genetics (formerly Invitae), Labcorp
Classification: Likely benign for Early-infantile DEE. Last evaluated: 2026-02-02. Review status: criteria provided, single submitter. Criteria: Invitae Variant Classification Sherloc (09022015). Collection method: clinical testing. Allele origin: germline.

Blueprint Genetics
Classification: Likely benign. Last evaluated: 2024-06-07. Review status: criteria provided, single submitter. Criteria: ACMG Guidelines, 2015. Collection method: clinical testing. Allele origin: germline.

PreventionGenetics, part of Exact Sciences
Classification: Likely benign for HCN1-related condition. Last evaluated: 2020-12-03. Review status: no assertion criteria provided. Collection method: clinical testing. Allele origin: germline. Not counted in ClinVar's aggregate classification.
Comment: This variant is classified as likely benign based on ACMG/AMP sequence variant interpretation guidelines (Richards et al. 2015 PMID: 25741868, with internal and published modifications).

NM_021072.4(HCN1):c.201T>C (p.Gly67=)

Gene: HCN1 (hyperpolarization activated cyclic nucleotide gated potassium channel 1; minus strand). Cytogenetic location: 5p12.
Variant type: single nucleotide variant.
Coding change: c.201T>C on transcript NM_021072.4 (MANE Select); coding-DNA position 201, T replaced by C.
Protein change: p.Gly67=; no amino-acid change (glycine 67 retained).
Molecular consequence: synonymous variant.
Genome position (GRCh38, 1-based): chr5:45,695,893, A>G on the plus strand (T>C on the coding strand, the complement: HCN1 is on the minus strand). VCF-style: chr5-45695893-A-G. GRCh37 (hg19) VCF-style: chr5-45695995-A-G.
Identifiers: ClinVar variation 412770 (VCV000412770.15), dbSNP rs779788281, ClinGen allele CA3259507.